The following is an entry in ClinVar:

ClinVar aggregate classification (germline): Uncertain significance (1 of 4 stars; one submission).

Allele frequency attached by ClinVar (database versions not stated): TOPMed 0.00001; gnomAD 0.00003.
gnomAD v4.1: 4 of 1,613,694 alleles (0.00025%); highest among the groups gnomAD compares: African/African-American, 0.0053%; no homozygotes.

Submission:

Labcorp Genetics (formerly Invitae), Labcorp
Classification: Uncertain significance. Last evaluated: 2021-11-27. Review status: criteria provided, single submitter. Criteria: Invitae Variant Classification Sherloc (09022015). Collection method: clinical testing. Allele origin: germline.
Comment: This variant has not been reported in the literature in individuals affected with ABCA4-related conditions. In summary, the available evidence is currently insufficient to determine the role of this variant in disease. Therefore, it has been classified as a Variant of Uncertain Significance. Advanced modeling of protein sequence and biophysical properties (such as structural, functional, and spatial information, amino acid conservation, physicochemical variation, residue mobility, and thermodynamic stability) performed at Invitae indicates that this missense variant is not expected to disrupt ABCA4 protein function. This variant is present in population databases (no rsID available, gnomAD 0.01%). This sequence change replaces phenylalanine, which is neutral and non-polar, with leucine, which is neutral and non-polar, at codon 216 of the ABCA4 protein (p.Phe216Leu).

NM_000350.3(ABCA4):c.646T>C (p.Phe216Leu)

Gene: ABCA4 (ATP binding cassette subfamily A member 4; minus strand). Cytogenetic location: 1p22.1.
Variant type: single nucleotide variant.
Coding change: c.646T>C on transcript NM_000350.3 (MANE Select); coding-DNA position 646, T replaced by C.
Protein change: p.Phe216Leu; replaces phenylalanine 216 with leucine.
Molecular consequence: missense variant.
Genome position (GRCh38, 1-based): chr1:94,098,916, A>G on the plus strand (T>C on the coding strand, the complement: ABCA4 is on the minus strand). VCF-style: chr1-94098916-A-G. GRCh37 (hg19) VCF-style: chr1-94564472-A-G.
Other names: c.646T>C, p.Phe216Leu (NM_001425324.1); short protein forms F216L.
Identifiers: ClinVar variation 1368581 (VCV001368581.6), dbSNP rs1320363264, ClinGen allele CA341289575.